The following is an entry in ClinVar:

NM_001372.4(DNAH9):c.3186C>T (p.Ile1062=)

Genes: DNAH9 (dynein axonemal heavy chain 9; plus strand), LOC126862505 (BRD4-independent group 4 enhancer GRCh37_chr17:11572478-11573677; plus strand). Cytogenetic location: 17p12.
Variant type: single nucleotide variant.
Coding change: c.3186C>T on transcript NM_001372.4 (MANE Select); coding-DNA position 3186, C replaced by T.
Protein change: p.Ile1062=; no amino-acid change (isoleucine 1062 retained).
Molecular consequence: synonymous variant.
Genome position (GRCh38, 1-based): chr17:11,669,627, C>T. VCF-style: chr17-11669627-C-T. GRCh37 (hg19) VCF-style: chr17-11572944-C-T.
Other names: c.3186C>T (NM_001372.3).
Identifiers: ClinVar variation 2421163 (VCV002421163.7), dbSNP rs184072165, ClinGen allele CA8395379.

ClinVar aggregate classification (germline): Likely benign. Review status: criteria provided, single submitter (1 of 4 stars). 2 submissions from 2 submitters: Likely benign (1). 1 of the submissions does not count toward it. Last evaluated 2025-06-29.

Conditions:
DNAH9-related disorder. Also called: DNAH9-related condition.

Allele frequency attached by ClinVar (database versions not stated): ExAC 0.00007; ESP Exome Variant Server 0.00008; gnomAD 0.00013; 1000 Genomes Project 30x 0.00016; 1000 Genomes Project 0.00020.
gnomAD v4.1: 36 of 1,614,154 alleles (0.0022%); highest among the groups gnomAD compares: African/African-American, 0.033%; no homozygotes.

Submissions (2):

Labcorp Genetics (formerly Invitae), Labcorp
Classification: Likely benign. Last evaluated: 2025-06-29. Review status: criteria provided, single submitter. Criteria: Invitae Variant Classification Sherloc (09022015). Collection method: clinical testing. Allele origin: germline.

PreventionGenetics, part of Exact Sciences
Classification: Likely benign for DNAH9-related condition. Last evaluated: 2019-06-07. Review status: no assertion criteria provided. Collection method: clinical testing. Allele origin: germline. Not counted in ClinVar's aggregate classification.
Comment: This variant is classified as likely benign based on ACMG/AMP sequence variant interpretation guidelines (Richards et al. 2015 PMID: 25741868, with internal and published modifications).